The following is an entry in ClinVar:

ClinVar aggregate classification (germline): Benign (1 of 4 stars; one submission).

Allele frequency attached by ClinVar (database versions not stated): 1000 Genomes Project 30x 0.10759; 1000 Genomes Project 0.10843; gnomAD 0.13298 and 0.13594; TOPMed 0.13623.
gnomAD v4.1: 20,156 of 152,062 alleles (13%); highest among the groups gnomAD compares: African/African-American, 17%; 1,504 homozygotes.

Submission:

GeneDx
Classification: Benign. Last evaluated: 2018-06-19. Review status: criteria provided, single submitter. Criteria: GeneDx Variant Classification (06012015). Collection method: clinical testing. Allele origin: germline. Affected: yes.
Comment: This variant is considered likely benign or benign based on one or more of the following criteria: it is a conservative change, it occurs at a poorly conserved position in the protein, it is predicted to be benign by multiple in silico algorithms, and/or has population frequency not consistent with disease.

NM_003659.4(AGPS):c.1106-213T>G

Gene: AGPS (alkylglycerone phosphate synthase; plus strand). Cytogenetic location: 2q31.2.
Variant type: single nucleotide variant.
Coding change: c.1106-213T>G on transcript NM_003659.4 (MANE Select); 213 bases into the intron before coding-DNA position 1106, T replaced by G.
Molecular consequence: intron variant.
Genome position (GRCh38, 1-based): chr2:177,481,846, T>G. VCF-style: chr2-177481846-T-G. GRCh37 (hg19) VCF-style: chr2-178346574-T-G.
Identifiers: ClinVar variation 671961 (VCV000671961.1), dbSNP rs10497506, ClinGen allele CA11038869.